The following is an entry in ClinVar:

NM_001038603.3(MARVELD2):c.1122_1123del (p.His374fs)

Gene: MARVELD2 (MARVEL domain containing 2; plus strand). Cytogenetic location: 5q13.2.
Variant type: Deletion.
Coding change: c.1122_1123del on transcript NM_001038603.3 (MANE Select); coding-DNA positions 1122 to 1123, 2 bases deleted (TA; older notation c.1122_1123delTA).
Protein change: p.His374fs; shifts the reading frame from histidine 374.
Molecular consequence: frameshift variant.
Genome position (GRCh38, 1-based): chr5:69,420,507-69,420,508, TA deleted; deleting any 2 consecutive bases within chr5:69,420,506-69,420,508 gives the same sequence; the c. name uses the placement nearest the transcript's 3' end. VCF-style (leftmost placement, unchanged base first): chr5-69420505-CAT-C. GRCh37 (hg19) VCF-style: chr5-68716332-CAT-C.
Other names: c.1122_1123del, p.His374fs (NM_001244734.2); short protein forms H374fs.
Identifiers: ClinVar variation 1879627 (VCV001879627.29), dbSNP rs2534792976, ClinGen allele CA2580073391.

ClinVar aggregate classification (germline): Pathogenic (1 of 4 stars; one submission).

Submission:

CeGaT Center for Human Genetics Tuebingen
Classification: Pathogenic. Last evaluated: 2022-11-01. Review status: criteria provided, single submitter. Criteria: CeGaT Center For Human Genetics Tuebingen Variant Classification Criteria Version 2. Collection method: clinical testing. Allele origin: germline. Affected: yes. Observed: 1 variant allele.
Comment: MARVELD2: PVS1, PM2